The following is an entry in ClinVar:

ClinVar aggregate classification (germline): Uncertain significance (1 of 4 stars; one submission).

Conditions:
Hereditary cancer-predisposing syndrome. Also called: Tumor predisposition; Hereditary neoplastic syndrome; Neoplastic Syndromes, Hereditary; Hereditary Cancer Syndrome. Identifiers: Orphanet 140162, MedGen C0027672, MeSH D009386, MONDO:0015356.

Submission:

Ambry Genetics
Classification: Uncertain significance for Hereditary cancer-predisposing syndrome. Last evaluated: 2025-04-16. Review status: criteria provided, single submitter. Criteria: Ambry Variant Classification Scheme 2023. Collection method: clinical testing. Allele origin: germline.
Comment: The p.T477P variant (also known as c.1429A>C), located in coding exon 13 of the FANCC gene, results from an A to C substitution at nucleotide position 1429. The threonine at codon 477 is replaced by proline, an amino acid with highly similar properties. This amino acid position is conserved. In addition, this alteration is predicted to be tolerated by in silico analysis. Based on the available evidence, the clinical significance of this variant remains unclear.

NM_000136.3(FANCC):c.1429A>C (p.Thr477Pro)

Genes: AOPEP (aminopeptidase O (putative); plus strand), FANCC (FA complementation group C; minus strand). Cytogenetic location: 9q22.32.
Variant type: single nucleotide variant.
Coding change: c.1429A>C on transcript NM_000136.3 (MANE Select); coding-DNA position 1429, A replaced by C.
Protein change: p.Thr477Pro; replaces threonine 477 with proline.
Molecular consequence: missense variant.
Genome position (GRCh38, 1-based): chr9:95,107,170, T>G on the plus strand (A>C on the coding strand, the complement: FANCC is on the minus strand). VCF-style: chr9-95107170-T-G. GRCh37 (hg19) VCF-style: chr9-97869452-T-G.
Other names: c.1429A>C, p.Thr477Pro (NM_001243743.2); short protein forms T477P.
Identifiers: ClinVar variation 4022409 (VCV004022409.1).
Genomic context (GRCh38, chr9:95,107,170, plus strand): 5'-AGAGCAGGAAGTTGAGGAGAAGGTGCCTGATCAGCTGTTGTGCAGGAGCTCTGAGGTCTG[T>G]GTCTGTGCCCTGTCCTGCTACCGTCTGCAGGTCCTGGGCTGAGAGGCTGCTGCTTCTGGA-3'
Protein context (NP_000127.2, residues 467-487): LQTVAGQGTD[Thr477Pro]DLRAPAQQLI